The following is an entry in ClinVar:

NM_138387.4(G6PC3):c.78G>C (p.Trp26Cys)

Genes: G6PC3 (glucose-6-phosphatase catalytic subunit 3; plus strand), LOC130060959 (ATAC-STARR-seq lymphoblastoid active region 12250; plus strand). Cytogenetic location: 17q21.31.
Variant type: single nucleotide variant.
Coding change: c.78G>C on transcript NM_138387.4 (MANE Select); coding-DNA position 78, G replaced by C.
Protein change: p.Trp26Cys; replaces tryptophan 26 with cysteine.
Molecular consequence: missense variant. On other transcripts: 5 prime UTR variant (3), intron variant (1).
Genome position (GRCh38, 1-based): chr17:44,071,043, G>C. VCF-style: chr17-44071043-G-C. GRCh37 (hg19) VCF-style: chr17-42148411-G-C.
Other names: c.78G>C, p.Trp26Cys (NM_001319945.2); c.-327G>C (NM_001384165.1); c.-462G>C (NM_001384166.1); c.-452G>C (NM_001384167.1); c.-312+329G>C (NM_001384168.1); short protein forms W26C.
Identifiers: ClinVar variation 4620488 (VCV004620488.1).
Genomic context (GRCh38, chr17:44,071,043, plus strand): 5'-CGCGGGCATCGTGATAGCCGAGGCGCTACAGAACCAGCTAGCCTGGCTGGAGAACGTGTG[G>C]CTCTGGATCACCTTTCTGGGCGATCCCAAGATCCTCTTTCTGTTCTACTTCCCCGCGGCC-3'
Protein context (NP_612396.1, residues 16-36): QNQLAWLENV[Trp26Cys]LWITFLGDPK

ClinVar aggregate classification (germline): Uncertain significance (1 of 4 stars; one submission).

Conditions:
Inborn genetic diseases. Identifiers: MedGen C0950123, MeSH D030342.

Submission:

Ambry Genetics
Classification: Uncertain significance for Inborn genetic diseases. Last evaluated: 2025-09-28. Review status: criteria provided, single submitter. Criteria: Ambry Variant Classification Scheme 2023. Collection method: clinical testing. Allele origin: germline.
Comment: The p.W26C variant (also known as c.78G>C), located in coding exon 1 of the G6PC3 gene, results from a G to C substitution at nucleotide position 78. The tryptophan at codon 26 is replaced by cysteine, an amino acid with highly dissimilar properties. This amino acid position is conserved. In addition, this alteration is predicted to be deleterious by in silico analysis. Based on the available evidence, the clinical significance of this variant remains unclear.